The following is an entry in ClinVar:

ClinVar aggregate classification (germline): Uncertain significance. Review status: criteria provided, multiple submitters, no conflicts (2 of 4 stars). 2 submissions from 2 submitters: Uncertain significance (2). Last evaluated 2025-06-24.

Conditions:
Inborn genetic diseases. Identifiers: MedGen C0950123, MeSH D030342.

Allele frequency attached by ClinVar (database versions not stated): ExAC 0.00002.
gnomAD v4.1: 1 of 1,613,260 alleles (0.000062%); highest among the groups gnomAD compares: East Asian, 0.0022%; no homozygotes.

Submissions (2):

Ambry Genetics
Classification: Uncertain significance for Inborn genetic diseases. Last evaluated: 2025-06-24. Review status: criteria provided, single submitter. Criteria: Ambry Variant Classification Scheme 2023. Collection method: clinical testing. Allele origin: germline.

Women's Health and Genetics/Laboratory Corporation of America, LabCorp
Classification: Uncertain significance. Last evaluated: 2023-11-17. Review status: criteria provided, single submitter. Criteria: LabCorp Variant Classification Summary - May 2015. Collection method: clinical testing. Allele origin: germline.
Comment: Variant summary: SETD1A c.2011G>A (p.Ala671Thr) results in a non-conservative amino acid change in the encoded protein sequence. Three of five in-silico tools predict a benign effect of the variant on protein function. The variant allele was found at a frequency of 4e-06 in 250380 control chromosomes. The available data on variant occurrences in the general population are insufficient to allow any conclusion about variant significance. To our knowledge, no occurrence of c.2011G>A in individuals affected with Neurodevelopmental Disorder With Speech Impairment And Dysmorphic Facies and no experimental evidence demonstrating its impact on protein function have been reported. No submitters have cited clinical-significance assessments for this variant to ClinVar after 2014. Based on the evidence outlined above, the variant was classified as uncertain significance.

NM_014712.3(SETD1A):c.2011G>A (p.Ala671Thr)

Gene: SETD1A (SET domain containing 1A, histone lysine methyltransferase; plus strand). Cytogenetic location: 16p11.2.
Variant type: single nucleotide variant.
Coding change: c.2011G>A on transcript NM_014712.3 (MANE Select); coding-DNA position 2011, G replaced by A.
Protein change: p.Ala671Thr; replaces alanine 671 with threonine.
Molecular consequence: missense variant.
Genome position (GRCh38, 1-based): chr16:30,965,892, G>A. VCF-style: chr16-30965892-G-A. GRCh37 (hg19) VCF-style: chr16-30977213-G-A.
Other names: c.2011G>A (NM_014712.1); short protein forms A671T.
Identifiers: ClinVar variation 2682612 (VCV002682612.2), dbSNP rs749293971, ClinGen allele CA8016829.